The following is an entry in ClinVar:

ClinVar aggregate classification (germline): Uncertain significance (1 of 4 stars; one submission).

Conditions:
Inborn genetic diseases. Identifiers: MedGen C0950123, MeSH D030342.

Allele frequency attached by ClinVar (database versions not stated): gnomAD 0.00001; gnomAD exomes 0.00001.
gnomAD v4.1: 4 of 1,614,080 alleles (0.00025%); highest among the groups gnomAD compares: East Asian, 0.0045%; no homozygotes.

Submission:

Ambry Genetics
Classification: Uncertain significance for Inborn genetic diseases. Last evaluated: 2023-05-13. Review status: criteria provided, single submitter. Criteria: Ambry Variant Classification Scheme 2023. Collection method: clinical testing. Allele origin: germline.
Comment: The p.S605F variant (also known as c.1814C>T), located in coding exon 12 of the EPAS1 gene, results from a C to T substitution at nucleotide position 1814. The serine at codon 605 is replaced by phenylalanine, an amino acid with highly dissimilar properties. This amino acid position is conserved. In addition, this alteration is predicted to be tolerated by in silico analysis. Since supporting evidence is limited at this time, the clinical significance of this alteration remains unclear.

NM_001430.5(EPAS1):c.1814C>T (p.Ser605Phe)

Gene: EPAS1 (endothelial PAS domain protein 1; plus strand). Cytogenetic location: 2p21.
Variant type: single nucleotide variant.
Coding change: c.1814C>T on transcript NM_001430.5 (MANE Select); coding-DNA position 1814, C replaced by T.
Protein change: p.Ser605Phe; replaces serine 605 with phenylalanine.
Molecular consequence: missense variant.
Genome position (GRCh38, 1-based): chr2:46,380,486, C>T. VCF-style: chr2-46380486-C-T. GRCh37 (hg19) VCF-style: chr2-46607625-C-T.
Other names: short protein forms S605F.
Identifiers: ClinVar variation 2562011 (VCV002562011.2), dbSNP rs1684861809, ClinGen allele CA346704939.
Genomic context (GRCh38, chr2:46,380,486, plus strand): 5'-TGGACAAGTTTCAGCAGCAGCTGGAGAGCAAGAAGACAGAGCCCGAGCACCGGCCCATGT[C>T]CTCCATCTTCTTTGATGCCGGAAGCAAAGCATCCCTGCCACCGTGCTGTGGCCAGGCCAG-3'
Protein context (NP_001421.2, residues 595-615): KKTEPEHRPM[Ser605Phe]SIFFDAGSKA